The following is an entry in ClinVar:

NM_024675.4(PALB2):c.2654C>T (p.Pro885Leu)

Gene: PALB2 (partner and localizer of BRCA2; minus strand). Cytogenetic location: 16p12.2.
Variant type: single nucleotide variant.
Coding change: c.2654C>T on transcript NM_024675.4 (MANE Select); coding-DNA position 2654, C replaced by T.
Protein change: p.Pro885Leu; replaces proline 885 with leucine.
Molecular consequence: missense variant. On other transcripts: intron variant (3).
Genome position (GRCh38, 1-based): chr16:23,626,330, G>A on the plus strand (C>T on the coding strand, the complement: PALB2 is on the minus strand). VCF-style: chr16-23626330-G-A. GRCh37 (hg19) VCF-style: chr16-23637651-G-A.
Other names: c.2594C>T, p.Pro865Leu (NM_001407296.1); c.2582C>T, p.Pro861Leu (NM_001407297.1); c.2654C>T, p.Pro885Leu (NM_001407299.1, NM_001407300.1, NM_001407301.1); c.1769C>T, p.Pro590Leu (NM_001407304.1, NM_001407305.1, NM_001407306.1 and 4 more transcripts); c.866C>T, p.Pro289Leu (NM_001407312.1, NM_001407313.1); c.188C>T, p.Pro63Leu (NM_001407314.1); c.2587-2236C>T (NM_001407302.1, NM_001407298.1); c.1702-2236C>T (NM_001407307.1); short protein forms P289L, P590L, P63L, P861L, P865L, P885L.
Identifiers: ClinVar variation 3228015 (VCV003228015.1), dbSNP rs2142355016, ClinGen allele CA395122110.
Genomic context (GRCh38, chr16:23,626,330, plus strand): 5'-TGCCAAGCATCCAGAGCTTTCCAAAGAGAAACTACATCTTCGCAAGCAGTTATGATACAT[G>A]GCTCTTTACAACCGGCTCTTTCCCAAAACATGGCACTCACATCTACGGAACAGGAACCTG-3'
Protein context (NP_078951.2, residues 875-895): MFWERAGCKE[Pro885Leu]CIITACEDVV

ClinVar aggregate classification (germline): Uncertain significance (1 of 4 stars; one submission).

Conditions:
Hereditary cancer-predisposing syndrome. Also called: Neoplastic Syndromes, Hereditary; Tumor predisposition; Hereditary neoplastic syndrome; Hereditary Cancer Syndrome. Identifiers: Orphanet 140162, MedGen C0027672, MeSH D009386, MONDO:0015356.

gnomAD v4.1: 1 of 1,614,112 alleles (0.000062%); no homozygotes.

Submission:

Ambry Genetics
Classification: Uncertain significance for Hereditary cancer-predisposing syndrome. Last evaluated: 2023-09-28. Review status: criteria provided, single submitter. Criteria: Ambry Variant Classification Scheme 2023. Collection method: clinical testing. Allele origin: germline.
Comment: The p.P885L variant (also known as c.2654C>T), located in coding exon 7 of the PALB2 gene, results from a C to T substitution at nucleotide position 2654. The proline at codon 885 is replaced by leucine, an amino acid with similar properties. This amino acid position is conserved. In addition, this alteration is predicted to be tolerated by in silico analysis. Since supporting evidence is limited at this time, the clinical significance of this alteration remains unclear.